The following is an entry in ClinVar:

NM_001040142.2(SCN2A):c.543A>G (p.Leu181=)

Gene: SCN2A (sodium voltage-gated channel alpha subunit 2; plus strand). Cytogenetic location: 2q24.3.
Variant type: single nucleotide variant.
Coding change: c.543A>G on transcript NM_001040142.2 (MANE Select); coding-DNA position 543, A replaced by G.
Protein change: p.Leu181=; no amino-acid change (leucine 181 retained).
Molecular consequence: synonymous variant.
Genome position (GRCh38, 1-based): chr2:165,308,732, A>G. VCF-style: chr2-165308732-A-G. GRCh37 (hg19) VCF-style: chr2-166165242-A-G.
Other names: c.543A>G, p.Leu181= (NM_001040143.2, NM_001371246.1, NM_001371247.1 and 1 more transcripts).
Identifiers: ClinVar variation 1013419 (VCV001013419.38), dbSNP rs796053170, ClinGen allele CA429884287.
Genomic context (GRCh38, chr2:165,308,732, plus strand): 5'-CTTTACAGGAATTTATACTTTTGAATCACTTATTAAAATACTTGCAAGGGGCTTTTGTTT[A>G]GAAGATTTCACATTTTTACGGGATCCATGGAATTGGTTGGATTTCACAGTCATTACTTTT-3'
Protein context (NP_001035232.1, residues 171-191): LIKILARGFC[Leu181=]EDFTFLRDPW

ClinVar aggregate classification (germline): Uncertain significance (1 of 4 stars; one submission).

Submission:

CeGaT Center for Human Genetics Tuebingen
Classification: Uncertain significance. Last evaluated: 2022-10-01. Review status: criteria provided, single submitter. Criteria: CeGaT Center For Human Genetics Tuebingen Variant Classification Criteria Version 2. Collection method: clinical testing. Allele origin: germline. Affected: yes. Observed: 1 variant allele.
Comment: SCN2A: PM2:Supporting, BP4